The following is an entry in ClinVar:

ClinVar aggregate classification (germline): Uncertain significance (1 of 4 stars; one submission).

Submission:

Labcorp Genetics (formerly Invitae), Labcorp
Classification: Uncertain significance. Last evaluated: 2025-10-13. Review status: criteria provided, single submitter. Criteria: Invitae Variant Classification Sherloc (09022015). Collection method: clinical testing. Allele origin: germline.
Comment: This sequence change replaces glutamic acid, which is acidic and polar, with glutamine, which is neutral and polar, at codon 54 of the SRP54 protein (p.Glu54Gln). This variant is not present in population databases (gnomAD no frequency). This variant has not been reported in the literature in individuals affected with SRP54-related conditions. Invitae Evidence Modeling of protein sequence and biophysical properties (such as structural, functional, and spatial information, amino acid conservation, physicochemical variation, residue mobility, and thermodynamic stability) indicates that this missense variant is not expected to disrupt SRP54 protein function with a negative predictive value of 80%. In summary, the available evidence is currently insufficient to determine the role of this variant in disease. Therefore, it has been classified as a Variant of Uncertain Significance.

NM_003136.4(SRP54):c.160G>C (p.Glu54Gln)

Gene: SRP54 (signal recognition particle 54; plus strand). Cytogenetic location: 14q13.2.
Variant type: single nucleotide variant.
Coding change: c.160G>C on transcript NM_003136.4 (MANE Select); coding-DNA position 160, G replaced by C.
Protein change: p.Glu54Gln; replaces glutamic acid 54 with glutamine.
Molecular consequence: missense variant. On other transcripts: intron variant (1).
Genome position (GRCh38, 1-based): chr14:34,999,639, G>C. VCF-style: chr14-34999639-G-C. GRCh37 (hg19) VCF-style: chr14-35468845-G-C.
Other names: c.160G>C, p.Glu54Gln (NM_001411017.1, NM_001440813.1); c.24-1297G>C (NM_001146282.2); short protein forms E54Q.
Identifiers: ClinVar variation 4737813 (VCV004737813.1).